The following is an entry in ClinVar:

ClinVar aggregate classification (germline): Uncertain significance. Review status: criteria provided, single submitter (1 of 4 stars). 3 submissions from 3 submitters: Uncertain significance (1). 2 of the submissions do not count toward it. Last evaluated 2023-08-27.

Conditions:
Retinitis pigmentosa (RP). Identifiers: Orphanet 791, MedGen C0035334, MeSH D012174, MONDO:0019200, OMIM 268000. Inheritance: Autosomal dominant, autosomal recessive and X linked inheritance.
Retinitis pigmentosa 25 (RP25). Identifiers: Orphanet 791, MedGen C1864446, MONDO:0011272, OMIM 602772.

gnomAD v4.1: 8 of 1,551,736 alleles (0.00052%); highest among the groups gnomAD compares: Non-Finnish European, 0.0007%; no homozygotes.

Submissions (3):

Labcorp Genetics (formerly Invitae), Labcorp
Classification: Uncertain significance. Last evaluated: 2023-08-27. Review status: criteria provided, single submitter. Criteria: Invitae Variant Classification Sherloc (09022015). Collection method: clinical testing. Allele origin: germline.
Comment: In summary, the available evidence is currently insufficient to determine the role of this variant in disease. Therefore, it has been classified as a Variant of Uncertain Significance. Advanced modeling of protein sequence and biophysical properties (such as structural, functional, and spatial information, amino acid conservation, physicochemical variation, residue mobility, and thermodynamic stability) has been performed at Invitae for this missense variant, however the output from this modeling did not meet the statistical confidence thresholds required to predict the impact of this variant on EYS protein function. ClinVar contains an entry for this variant (Variation ID: 438210). This missense change has been observed in individual(s) with inherited retinal dystrohy (PMID: 28041643). This variant is not present in population databases (gnomAD no frequency). This sequence change replaces aspartic acid, which is acidic and polar, with glycine, which is neutral and non-polar, at codon 2873 of the EYS protein (p.Asp2873Gly).

Counsyl
Classification: Uncertain significance for Retinitis pigmentosa 25. Last evaluated: 2017-11-08. Review status: no assertion criteria provided. Collection method: clinical testing. Allele origin: unknown. Not counted in ClinVar's aggregate classification.

NIHR Bioresource Rare Diseases, University of Cambridge
Classification: Uncertain significance for Retinitis pigmentosa. Last evaluated: 2015-01-01. Review status: no assertion criteria provided. Collection method: research. Allele origin: unknown. Affected: yes. Observed: 1 variant allele. Not counted in ClinVar's aggregate classification.

Literature cited by the submitters: PubMed 28041643 (cited by 3 submitters).

NM_001142800.2(EYS):c.8618A>G (p.Asp2873Gly)

Genes: EYS (EGF-like photoreceptor maintenance factor; minus strand), PHF3 (PHD finger protein 3; plus strand). Cytogenetic location: 6q12.
Variant type: single nucleotide variant.
Coding change: c.8618A>G on transcript NM_001142800.2 (MANE Select); coding-DNA position 8618, A replaced by G.
Protein change: p.Asp2873Gly; replaces aspartic acid 2873 with glycine.
Molecular consequence: missense variant. On other transcripts: 3 prime UTR variant (5).
Genome position (GRCh38, 1-based): chr6:63,721,413, T>C on the plus strand (A>G on the coding strand, the complement: EYS is on the minus strand). VCF-style: chr6-63721413-T-C. GRCh37 (hg19) VCF-style: chr6-64431309-T-C.
Other names: c.*7705T>C (NM_001290259.2, NM_001370348.2, NM_001370349.2 and 2 more transcripts); c.8681A>G, p.Asp2894Gly (NM_001292009.2); short protein forms D2873G, D2894G.
Identifiers: ClinVar variation 438210 (VCV000438210.10), dbSNP rs1554163939, ClinGen allele CA364384359.
Genomic context (GRCh38, chr6:63,721,413, plus strand): 5'-TTTACTGTACATTCACCTCCATTTCTGCATGTGTTGTACCCACAGGCTGTCCCATCACAG[T>C]CACCTACATTTGAGCCACCTTTTGCTCCAAATTCAGTTAATTGTAATTCTTGATTATTTA-3'
Protein context (NP_001136272.1, residues 2863-2883): FGAKGGSNVG[Asp2873Gly]CDGTACGYNT